The following is an entry in ClinVar:

ClinVar aggregate classification (germline): Uncertain significance. Review status: criteria provided, multiple submitters, no conflicts (2 of 4 stars). 3 submissions from 3 submitters: Uncertain significance (3). Last evaluated 2025-11-28.

Conditions:
Inborn genetic diseases. Identifiers: MedGen C0950123, MeSH D030342.

Allele frequency attached by ClinVar (database versions not stated): 1000 Genomes Project 0.00040; ESP Exome Variant Server 0.00023; 1000 Genomes Project 30x 0.00031.
gnomAD v4.1: 140 of 1,614,150 alleles (0.0087%); highest among the groups gnomAD compares: African/African-American, 0.068%; no homozygotes.

Submissions (3):

Mayo Clinic Laboratories, Mayo Clinic
Classification: Uncertain significance. Last evaluated: 2025-11-28. Review status: criteria provided, single submitter. Criteria: ACMG Guidelines, 2015. Collection method: clinical testing. Allele origin: germline. Observed: 1 variant allele.
Comment: BP4_moderate, PP2, PM1

Labcorp Genetics (formerly Invitae), Labcorp
Classification: Uncertain significance. Last evaluated: 2025-10-15. Review status: criteria provided, single submitter. Criteria: Invitae Variant Classification Sherloc (09022015). Collection method: clinical testing. Allele origin: germline.
Comment: This sequence change replaces threonine, which is neutral and polar, with methionine, which is neutral and non-polar, at codon 619 of the ACTN1 protein (p.Thr619Met). This variant is present in population databases (rs202125007, gnomAD 0.07%), and has an allele count higher than expected for a pathogenic variant. This variant has not been reported in the literature in individuals affected with ACTN1-related conditions. ClinVar contains an entry for this variant (Variation ID: 2069017). Invitae Evidence Modeling of protein sequence and biophysical properties (such as structural, functional, and spatial information, amino acid conservation, physicochemical variation, residue mobility, and thermodynamic stability) indicates that this missense variant is not expected to disrupt ACTN1 protein function with a negative predictive value of 80%. In summary, the available evidence is currently insufficient to determine the role of this variant in disease. Therefore, it has been classified as a Variant of Uncertain Significance.

Ambry Genetics
Classification: Uncertain significance for Inborn genetic diseases. Last evaluated: 2025-04-24. Review status: criteria provided, single submitter. Criteria: Ambry Variant Classification Scheme 2023. Collection method: clinical testing. Allele origin: germline.

NM_001130004.2(ACTN1):c.1856C>T (p.Thr619Met)

Gene: ACTN1 (actinin alpha 1; minus strand). Cytogenetic location: 14q24.1.
Variant type: single nucleotide variant.
Coding change: c.1856C>T on transcript NM_001130004.2 (MANE Select); coding-DNA position 1856, C replaced by T.
Protein change: p.Thr619Met; replaces threonine 619 with methionine.
Molecular consequence: missense variant.
Genome position (GRCh38, 1-based): chr14:68,882,555, G>A on the plus strand (C>T on the coding strand, the complement: ACTN1 is on the minus strand). VCF-style: chr14-68882555-G-A. GRCh37 (hg19) VCF-style: chr14-69349272-G-A.
Other names: p.Thr619Met; c.1856C>T, p.Thr619Met (NM_001102.4, NM_001130005.2); c.1880C>T, p.Thr627Met (NM_001411035.1); c.1661C>T, p.Thr554Met (NM_001411036.1); short protein forms T554M, T619M, T627M.
Identifiers: ClinVar variation 2069017 (VCV002069017.8), dbSNP rs202125007, ClinGen allele CA7242252.